The following is an entry in ClinVar:

NM_130384.3(ATRIP):c.1796C>A (p.Pro599His)

Genes: ATRIP (ATR interacting protein; plus strand), ATRIP-TREX1 (ATRIP-TREX1 readthrough; plus strand). Cytogenetic location: 3p21.31.
Variant type: single nucleotide variant.
Coding change: c.1796C>A on transcript NM_130384.3 (MANE Select); coding-DNA position 1796, C replaced by A.
Protein change: p.Pro599His; replaces proline 599 with histidine.
Molecular consequence: missense variant. On other transcripts: non-coding transcript variant (1).
Genome position (GRCh38, 1-based): chr3:48,463,795, C>A. VCF-style: chr3-48463795-C-A. GRCh37 (hg19) VCF-style: chr3-48505194-C-A.
Other names: c.1796C>A (NM_130384.1); c.1415C>A, p.Pro472His (NM_001271022.2); c.1517C>A, p.Pro506His (NM_001271023.2); c.1796C>A, p.Pro599His (NM_032166.4); short protein forms P599H, P472H, P506H.
Identifiers: ClinVar variation 1943323 (VCV001943323.6), dbSNP rs2530004435, ClinGen allele CA352729538.

ClinVar aggregate classification (germline): Uncertain significance. Review status: criteria provided, multiple submitters, no conflicts (2 of 4 stars). 2 submissions from 2 submitters: Uncertain significance (2). Last evaluated 2026-09-09.

Submissions (2):

Ambry Genetics
Classification: Uncertain significance. Last evaluated: 2026-09-09. Review status: criteria provided, single submitter. Criteria: Ambry Variant Classification Scheme 2023. Collection method: clinical testing. Allele origin: germline.
Comment: The p.P599H variant (also known as c.1796C>A), located in coding exon 9 of the ATRIP gene, results from a C to A substitution at nucleotide position 1796. The proline at codon 599 is replaced by histidine, an amino acid with similar properties. This amino acid position is conserved. In addition, this alteration is predicted to be tolerated by in silico analysis. Based on the available evidence, the clinical significance of this variant remains unclear.

Labcorp Genetics (formerly Invitae), Labcorp
Classification: Uncertain significance. Last evaluated: 2022-07-19. Review status: criteria provided, single submitter. Criteria: Invitae Variant Classification Sherloc (09022015). Collection method: clinical testing. Allele origin: germline.
Comment: This variant has not been reported in the literature in individuals affected with ATRIP-related conditions. Algorithms developed to predict the effect of missense changes on protein structure and function output the following: SIFT: "Deleterious"; PolyPhen-2: "Benign"; Align-GVGD: "Class C0". The histidine amino acid residue is found in multiple mammalian species, which suggests that this missense change does not adversely affect protein function. In summary, the available evidence is currently insufficient to determine the role of this variant in disease. Therefore, it has been classified as a Variant of Uncertain Significance. This variant is not present in population databases (gnomAD no frequency). This sequence change replaces proline, which is neutral and non-polar, with histidine, which is basic and polar, at codon 599 of the ATRIP protein (p.Pro599His).